The following is an entry in ClinVar:

NM_173500.4(TTBK2):c.2864C>A (p.Thr955Asn)

Gene: TTBK2 (tau tubulin kinase 2; minus strand). Cytogenetic location: 15q15.2.
Variant type: single nucleotide variant.
Coding change: c.2864C>A on transcript NM_173500.4 (MANE Select); coding-DNA position 2864, C replaced by A.
Protein change: p.Thr955Asn; replaces threonine 955 with asparagine.
Molecular consequence: missense variant.
Genome position (GRCh38, 1-based): chr15:42,752,382, G>T on the plus strand (C>A on the coding strand, the complement: TTBK2 is on the minus strand). VCF-style: chr15-42752382-G-T. GRCh37 (hg19) VCF-style: chr15-43044580-G-T.
Other names: short protein forms T955N.
Identifiers: ClinVar variation 3623239 (VCV003623239.2).

ClinVar aggregate classification (germline): Uncertain significance (1 of 4 stars; one submission).

gnomAD v4.1: 2 of 1,614,206 alleles (0.00012%); highest among the groups gnomAD compares: South Asian, 0.0022%; no homozygotes.

Submission:

Labcorp Genetics (formerly Invitae), Labcorp
Classification: Uncertain significance. Last evaluated: 2025-02-17. Review status: criteria provided, single submitter. Criteria: Invitae Variant Classification Sherloc (09022015). Collection method: clinical testing. Allele origin: germline.
Comment: This sequence change replaces threonine, which is neutral and polar, with asparagine, which is neutral and polar, at codon 955 of the TTBK2 protein (p.Thr955Asn). This variant is present in population databases (rs758567031, gnomAD 0.003%). This variant has not been reported in the literature in individuals affected with TTBK2-related conditions. An algorithm developed to predict the effect of missense changes on protein structure and function (PolyPhen-2) suggests that this variant is likely to be tolerated. In summary, the available evidence is currently insufficient to determine the role of this variant in disease. Therefore, it has been classified as a Variant of Uncertain Significance.